The following is an entry in ClinVar:

NM_173546.3(KLHDC8B):c.470C>T (p.Ser157Leu)

Gene: KLHDC8B (kelch domain containing 8B; plus strand). Cytogenetic location: 3p21.31.
Variant type: single nucleotide variant.
Coding change: c.470C>T on transcript NM_173546.3 (MANE Select); coding-DNA position 470, C replaced by T.
Protein change: p.Ser157Leu; replaces serine 157 with leucine.
Molecular consequence: missense variant.
Genome position (GRCh38, 1-based): chr3:49,174,332, C>T. VCF-style: chr3-49174332-C-T. GRCh37 (hg19) VCF-style: chr3-49211765-C-T.
Other names: short protein forms S157L.
Identifiers: ClinVar variation 2239534 (VCV002239534.5), dbSNP rs149570292, ClinGen allele CA2395499.

ClinVar aggregate classification (germline): Uncertain significance. Review status: criteria provided, multiple submitters, no conflicts (2 of 4 stars). 2 submissions from 2 submitters: Uncertain significance (2). Last evaluated 2023-05-24.

Allele frequency attached by ClinVar (database versions not stated): gnomAD 0.00002; gnomAD exomes 0.00002; TOPMed 0.00002; ExAC 0.00004; ESP Exome Variant Server 0.00008.

Submissions (2):

Labcorp Genetics (formerly Invitae), Labcorp
Classification: Uncertain significance. Last evaluated: 2023-05-24. Review status: criteria provided, single submitter. Criteria: Invitae Variant Classification Sherloc (09022015). Collection method: clinical testing. Allele origin: germline.
Comment: An algorithm developed to predict the effect of missense changes on protein structure and function (PolyPhen-2) suggests that this variant is likely to be tolerated. This variant has not been reported in the literature in individuals affected with KLHDC8B-related conditions. ClinVar contains an entry for this variant (Variation ID: 2239534). In summary, the available evidence is currently insufficient to determine the role of this variant in disease. Therefore, it has been classified as a Variant of Uncertain Significance. This sequence change replaces serine, which is neutral and polar, with leucine, which is neutral and non-polar, at codon 157 of the KLHDC8B protein (p.Ser157Leu). This variant is present in population databases (rs149570292, gnomAD 0.006%).

Ambry Genetics
Classification: Uncertain significance. Last evaluated: 2021-07-27. Review status: criteria provided, single submitter. Criteria: Ambry Variant Classification Scheme 2023. Collection method: clinical testing. Allele origin: germline.